The following is an entry in ClinVar:

NM_000233.4(LHCGR):c.26_43dup (p.Leu14_Leu15insGlnLeuLeuLysLeuLeu)

Genes: STON1-GTF2A1L (STON1-GTF2A1L readthrough; plus strand), LHCGR (luteinizing hormone/choriogonadotropin receptor; minus strand). Cytogenetic location: 2p16.3.
Variant type: Duplication.
Coding change: c.26_43dup on transcript NM_000233.4 (MANE Select); coding-DNA positions 26 to 43, 18 bases duplicated (AGCTGCTGAAGCTGCTGC).
Protein change: p.Leu14_Leu15insGlnLeuLeuLysLeuLeu.
Molecular consequence: inframe insertion. On other transcripts: intron variant (1).
Genome position (GRCh38, 1-based): chr2:48,755,629-48,755,646, GCAGCAGCTTCAGCAGCT duplicated on the plus strand (AGCTGCTGAAGCTGCTGC on the coding strand, the reverse complement: LHCGR is on the minus strand); duplicating any 18 consecutive bases within chr2:48,755,629-48,755,651 gives the same sequence; the c. name uses the placement nearest the transcript's 3' end. VCF-style (leftmost placement, unchanged base first): chr2-48755628-A-AGCAGCAGCTTCAGCAGCT. GRCh37 (hg19) VCF-style: chr2-48982767-A-AGCAGCAGCTTCAGCAGCT.
Other names: c.3442-20646_3442-20629dup (NM_001198593.2).
Identifiers: ClinVar variation 1408739 (VCV001408739.6), dbSNP rs1164921895, ClinGen allele CA532559295.

ClinVar aggregate classification (germline): Uncertain significance. Review status: criteria provided, multiple submitters, no conflicts (2 of 4 stars). 2 submissions from 2 submitters: Uncertain significance (2). Last evaluated 2024-02-23.

Conditions:
Leydig cell agenesis. Also called: LEYDIG CELL HYPOPLASIA WITH MALE PSEUDOHERMAPHRODITISM; LEYDIG CELL HYPOPLASIA, COMPLETE; HYPERGONADOTROPIC HYPOGONADISM, MALE, DUE TO LHCGR DEFECT; Leydig cell hypoplasia, type 1. Identifiers: MedGen C0266432, MONDO:0009384, OMIM 238320.
Gonadotropin-independent familial sexual precocity. Also called: TESTOTOXICOSIS, FAMILIAL; Familial male-limited precocious puberty. Identifiers: Orphanet 3000, MedGen C0342549, MONDO:0008303, OMIM 176410.

Submissions (2):

Labcorp Genetics (formerly Invitae), Labcorp
Classification: Uncertain significance. Last evaluated: 2024-02-23. Review status: criteria provided, single submitter. Criteria: Invitae Variant Classification Sherloc (09022015). Collection method: clinical testing. Allele origin: germline.
Comment: This variant, c.26_43dup, results in the insertion of 6 amino acid(s) of the LHCGR protein (p.Gln9_Leu14dup), but otherwise preserves the integrity of the reading frame. This variant is present in population databases (no rsID available, gnomAD 0.004%). This variant has not been reported in the literature in individuals affected with LHCGR-related conditions. ClinVar contains an entry for this variant (Variation ID: 1408739). In summary, the available evidence is currently insufficient to determine the role of this variant in disease. Therefore, it has been classified as a Variant of Uncertain Significance.

Fulgent Genetics
Classification: Uncertain significance for Gonadotropin-independent familial sexual precocity; Leydig cell agenesis. Last evaluated: 2021-07-27. Review status: criteria provided, single submitter. Criteria: ACMG Guidelines, 2015. Collection method: clinical testing. Allele origin: unknown.